The following is an entry in ClinVar:

ClinVar aggregate classification (germline): Conflicting classifications of pathogenicity. Review status: criteria provided, conflicting classifications (1 of 4 stars). 22 submissions from 22 submitters: Pathogenic (9); Likely pathogenic (9); Uncertain significance (3). 1 of the submissions does not count toward it. Last evaluated 2026-02-02.

Conditions:
Carnitine deficiency. Identifiers: MedGen C1142132.
SLC22A5-related disorder. Also called: SLC22A5-related condition.
Renal carnitine transport defect (CDSP). Also called: CARNITINE DEFICIENCY, SYSTEMIC, DUE TO DEFECT IN RENAL REABSORPTION OF CARNITINE; CARNITINE TRANSPORTER, PLASMA-MEMBRANE, DEFICIENCY OF; CARNITINE UPTAKE DEFECT; Carnitine transporter deficiency; Carnitine Deficiency, Systemic; Systemic primary carnitine deficiency. Identifiers: Orphanet 158, MedGen C0342788, MONDO:0008919, OMIM 212140.
Abnormality of the nervous system. Also called: Congenital nervous system disorder. Identifiers: MedGen C0497552, MONDO:0002320, HP:0000707.

Allele frequency attached by ClinVar (database versions not stated): ESP Exome Variant Server 0.00023; gnomAD exomes 0.00038 and 0.00067; TOPMed 0.00040; gnomAD 0.00041 and 0.00043; ExAC 0.00042.
gnomAD v4.1: 1,035 of 1,612,276 alleles (0.064%); highest among the groups gnomAD compares: Middle Eastern, 0.099%; 1 homozygote.

Submissions 1 to 14 of 22:

Labcorp Genetics (formerly Invitae), Labcorp
Classification: Pathogenic for Renal carnitine transport defect. Last evaluated: 2026-02-02. Review status: criteria provided, single submitter. Criteria: Invitae Variant Classification Sherloc (09022015). Collection method: clinical testing. Allele origin: germline.
Comment: This sequence change replaces aspartic acid, which is acidic and polar, with tyrosine, which is neutral and polar, at codon 122 of the SLC22A5 protein (p.Asp122Tyr). This variant is present in population databases (rs201082652, gnomAD 0.06%). This missense change has been observed in individual(s) with primary carnitine deficiency, or plasma carnitine deficiency (PMID: 20574985; internal data). In at least one individual the data is consistent with being in trans (on the opposite chromosome) from a pathogenic variant. ClinVar contains an entry for this variant (Variation ID: 25371). Invitae Evidence Modeling of protein sequence and biophysical properties (such as structural, functional, and spatial information, amino acid conservation, physicochemical variation, residue mobility, and thermodynamic stability) indicates that this missense variant is expected to disrupt SLC22A5 protein function with a positive predictive value of 95%. Experimental studies have shown that this missense change affects SLC22A5 function (PMID: 21864509). For these reasons, this variant has been classified as Pathogenic.

Natera, Inc.
Classification: Likely pathogenic for Carnitine deficiency. Last evaluated: 2025-12-15. Review status: criteria provided, single submitter. Criteria: Natera Variant Classification Schema (03/2026). Collection method: clinical testing. Allele origin: germline.
Comment: The c.364G>T variant in SLC22A5 is a missense variant predicted to cause substitution of aspartic acid to tyrosine at amino acid 122. This variant is rare in the general population with a frequency below the threshold expected for the associated phenotype(s). This variant has been observed in one or more individuals affected with the associated recessive disease, as either homozygous or compound heterozygous with a second variant (PMID: 32371413, 38374194). Functional studies show that this variant may disrupt protein function (PMID: 21864509). Computational prediction algorithms indicate this variant is likely to affect gene or protein function. Given the available evidence, this variant is classified as Likely Pathogenic.

GeneDx
Classification: Uncertain significance. Last evaluated: 2025-12-05. Review status: criteria provided, single submitter. Criteria: GeneDx Variant Classification Process June 2021. Collection method: clinical testing. Allele origin: germline. Affected: yes.
Comment: Functional studies of the D122Y variant found that it resulted in significantly decreased carnitine transport and decreased expression of human organic cation/carnitine transporter 2 in the plasma membrane of transfected cells (PMID: 21864509); In silico analysis supports that this missense variant has a deleterious effect on protein structure/function; In silico analysis suggests this variant may impact gene splicing. In the absence of RNA/functional studies, the actual effect of this sequence change is unknown.; This variant is associated with the following publications: (PMID: 31980526, 32371413, 27956261, 27320645, 28074886, 30626930, 34426522, 21864509, 32778825, 20208395, 35281663, 20574985, 29659532, 38374194, 36343260, 37510298)

First Genomix Gene Laboratory, Genetic Diagnostics Department
Classification: Pathogenic for Renal carnitine transport defect. Last evaluated: 2025-05-26. Review status: criteria provided, single submitter. Criteria: ACMG Guidelines, 2015. Collection method: clinical testing. Allele origin: germline. Inheritance: Autosomal recessive inheritance. Affected: no. Observed: 1 variant allele.

Myriad Genetics, Inc.
Classification: Likely pathogenic for Renal carnitine transport defect. Last evaluated: 2025-02-28. Review status: criteria provided, single submitter. Criteria: Myriad Autosomal Dominant, Autosomal Recessive and X-Linked Classification Criteria (2023). Collection method: clinical testing. Allele origin: unknown.
Comment: NM_003060.3(SLC22A5):c.364G>T(D122Y) is a missense variant classified as likely pathogenic in the context of primary carnitine deficiency. D122Y has been observed in cases with relevant disease (PMID: 32371413, 35281663, 20574985, 36109795, 20574985, 38374194, Yu_2022_(Article), 37510298, 38473809). Relevant functional assessments of this variant are available in the literature (PMID: 21864509, 36343260). D122Y has been observed in referenced population frequency databases. In summary, NM_003060.3(SLC22A5):c.364G>T(D122Y) is a missense variant that has functional support for pathogenicity and has been observed more frequently in cases with the relevant disease than in healthy populations. Please note: this variant was assessed in the context of healthy population screening.

Blueprint Genetics
Classification: Likely pathogenic for SLC22A5-related disorders. Last evaluated: 2024-11-22. Review status: criteria provided, single submitter. Criteria: ACMG Guidelines, 2015. Collection method: clinical testing. Allele origin: germline. Affected: yes. Observed: 5 variant alleles.

Revvity Omics, Revvity
Classification: Likely pathogenic for Renal carnitine transport defect. Last evaluated: 2024-06-21. Review status: criteria provided, single submitter. Criteria: ACMG Guidelines, 2015. Collection method: clinical testing. Allele origin: germline.

Fulgent Genetics
Classification: Likely pathogenic for Renal carnitine transport defect. Last evaluated: 2024-06-05. Review status: criteria provided, single submitter. Criteria: ACMG Guidelines, 2015. Collection method: clinical testing. Allele origin: germline.

Mayo Clinic Laboratories, Mayo Clinic
Classification: Pathogenic. Last evaluated: 2024-04-17. Review status: criteria provided, single submitter. Criteria: ACMG Guidelines, 2015. Collection method: clinical testing. Allele origin: germline. Observed: 1 variant allele.
Comment: PP3, PM3_strong, PS3

Baylor Genetics
Classification: Pathogenic for Renal carnitine transport defect. Last evaluated: 2024-03-29. Review status: criteria provided, single submitter. Criteria: ACMG Guidelines, 2015. Collection method: clinical testing. Allele origin: unknown.

Laboratory of Medical Genetics, National & Kapodistrian University of Athens
Classification: Pathogenic for Renal carnitine transport defect. Last evaluated: 2024-02-01. Review status: criteria provided, single submitter. Criteria: ACMG Guidelines, 2015. Collection method: curation. Allele origin: germline. Affected: no.

Women's Health and Genetics/Laboratory Corporation of America, LabCorp
Classification: Pathogenic for Renal carnitine transport defect. Last evaluated: 2024-01-03. Review status: criteria provided, single submitter. Criteria: LabCorp Variant Classification Summary - May 2015. Collection method: clinical testing. Allele origin: germline.
Comment: Variant summary: SLC22A5 c.364G>T (p.Asp122Tyr) results in a non-conservative amino acid change located in the Major facilitator superfamily domain (IPR020846) of the encoded protein sequence. Five of five in-silico tools predict a damaging effect of the variant on protein function. The variant allele was found at a frequency of 0.00038 in 240408 control chromosomes (gnomAD). This frequency is not higher than the estimated maximum expected for a pathogenic variant in SLC22A5 causing Systemic Primary Carnitine Deficiency (0.0046), allowing no conclusion about variant significance. c.364G>T has been reported in the literature in heterozygous state in multiple individuals, mostly as a biochemical phenotype (e.g. Li_2010, Adhikari_2020, Navarrete_2019, Hou_2020, Lindholm_2021) and in at least three compound heterozygotes (who all carried a second pathogenic/likely pathogenic SLC22A5 variant) affected with Systemic Primary Carnitine Deficiency (e.g., Miller_2020, Ambrose_2022, Martin-Rivada_2022). These data indicate that the variant is very likely to be associated with disease. At least two publications reported experimental evidence evaluating an impact on protein function, and demonstrated markedly impaired transport function for the variant protein (e.g., Toh_2011, Koleske_2022). The following publications have been ascertained in the context of this evaluation (PMID: 32778825, 36109795, 31980526, 37510298, 36343260, 20574985, 34802252, 35281663, 32371413, 30626930, 21864509, 20208395). Multiple submitters have reported clinical-significance assessments for this variant to ClinVar after 2014 with conflicting interpretations (pathogenic, n = 5; likely pathogenic, n = 5; VUS, n = 3). Based on the evidence outlined above, the variant was classified as pathogenic.

Department of Pathology and Laboratory Medicine, Sinai Health System
Classification: Pathogenic for Renal carnitine transport defect. Last evaluated: 2023-02-06. Review status: criteria provided, single submitter. Criteria: ACMG Guidelines, 2015. Collection method: research. Allele origin: germline.

Giacomini Lab, University of California, San Francisco
Classification: Uncertain significance for Renal carnitine transport defect. Last evaluated: 2022-10-03. Review status: criteria provided, single submitter. Criteria: ACMG Guidelines, 2015. Collection method: research, in vitro. Allele origin: germline, not applicable.

NM_003060.4(SLC22A5):c.364G>T (p.Asp122Tyr)

Gene: SLC22A5 (solute carrier family 22 member 5; plus strand). Cytogenetic location: 5q31.1.
Variant type: single nucleotide variant.
Coding change: c.364G>T on transcript NM_003060.4 (MANE Select); coding-DNA position 364, G replaced by T.
Protein change: p.Asp122Tyr; replaces aspartic acid 122 with tyrosine.
Molecular consequence: missense variant.
Genome position (GRCh38, 1-based): chr5:132,370,336, G>T. VCF-style: chr5-132370336-G-T. GRCh37 (hg19) VCF-style: chr5-131706028-G-T.
Other names: p.D122Y:GAC>TAC; c.364G>T, p.Asp122Tyr (NM_001308122.2).
Identifiers: ClinVar variation 25371 (VCV000025371.71), dbSNP rs201082652, ClinGen allele CA312977.